The following is an entry in ClinVar:

ClinVar aggregate classification (germline): Uncertain significance (1 of 4 stars; one submission).

Conditions:
Achondrogenesis, type IB (ACG1B). Also called: Achondrogenesis Type 1B. Identifiers: Orphanet 932, Orphanet 93298, MedGen C0265274, MONDO:0010966, OMIM 600972.
Diastrophic dysplasia (DTD). Also called: Diastrophic dwarfism. Identifiers: Orphanet 628, MedGen C0220726, MONDO:0009107, OMIM 222600.
Multiple epiphyseal dysplasia type 4 (EDM4). Also called: Multiple Epiphyseal Dysplasia, Recessive; MULTIPLE EPIPHYSEAL DYSPLASIA WITH BILAYERED PATELLAE; MULTIPLE EPIPHYSEAL DYSPLASIA WITH CLUBFOOT; MULTIPLE EPIPHYSEAL DYSPLASIA, AUTOSOMAL RECESSIVE; SLC26A2-Related Multiple Epiphyseal Dysplasia. Identifiers: Orphanet 93307, MedGen C1847593, MONDO:0009189, OMIM 226900.
Atelosteogenesis type II (AO2). Also called: NEONATAL OSSEOUS DYSPLASIA I; SLC26A2-Related Atelosteogenesis; Neonatal osseous dysplasia 1. Identifiers: Orphanet 56304, MedGen C1850554, MONDO:0009727, OMIM 256050.

Allele frequency attached by ClinVar (database versions not stated): TOPMed 0.00001; gnomAD 0.00001.
gnomAD v4.1: 1 of 1,614,050 alleles (0.000062%); highest among the groups gnomAD compares: African/African-American, 0.0013%; no homozygotes.

Submission:

Labcorp Genetics (formerly Invitae), Labcorp
Classification: Uncertain significance for Atelosteogenesis type II; Multiple epiphyseal dysplasia type 4; Achondrogenesis, type IB; Diastrophic dysplasia. Last evaluated: 2022-06-09. Review status: criteria provided, single submitter. Criteria: Invitae Variant Classification Sherloc (09022015). Collection method: clinical testing. Allele origin: germline.
Comment: In summary, the available evidence is currently insufficient to determine the role of this variant in disease. Therefore, it has been classified as a Variant of Uncertain Significance. Advanced modeling of protein sequence and biophysical properties (such as structural, functional, and spatial information, amino acid conservation, physicochemical variation, residue mobility, and thermodynamic stability) performed at Invitae indicates that this missense variant is not expected to disrupt SLC26A2 protein function. This variant has not been reported in the literature in individuals affected with SLC26A2-related conditions. This variant is not present in population databases (gnomAD no frequency). This sequence change replaces serine, which is neutral and polar, with phenylalanine, which is neutral and non-polar, at codon 327 of the SLC26A2 protein (p.Ser327Phe).

NM_000112.4(SLC26A2):c.980C>T (p.Ser327Phe)

Gene: SLC26A2 (solute carrier family 26 member 2; plus strand). Cytogenetic location: 5q32.
Variant type: single nucleotide variant.
Coding change: c.980C>T on transcript NM_000112.4 (MANE Select); coding-DNA position 980, C replaced by T.
Protein change: p.Ser327Phe; replaces serine 327 with phenylalanine.
Molecular consequence: missense variant.
Genome position (GRCh38, 1-based): chr5:149,980,573, C>T. VCF-style: chr5-149980573-C-T. GRCh37 (hg19) VCF-style: chr5-149360136-C-T.
Other names: short protein forms S327F.
Identifiers: ClinVar variation 2087529 (VCV002087529.4), dbSNP rs1053664339, ClinGen allele CA129083993.